The following is an entry in ClinVar:

ClinVar aggregate classification (germline): Uncertain significance (1 of 4 stars; one submission).

Conditions:
Hereditary cancer-predisposing syndrome. Also called: Hereditary Cancer Syndrome; Hereditary neoplastic syndrome; Neoplastic Syndromes, Hereditary; Tumor predisposition. Identifiers: Orphanet 140162, MedGen C0027672, MeSH D009386, MONDO:0015356.

Submission:

Ambry Genetics
Classification: Uncertain significance for Hereditary cancer-predisposing syndrome. Last evaluated: 2020-08-05. Review status: criteria provided, single submitter. Criteria: Ambry Variant Classification Scheme 2023. Collection method: clinical testing. Allele origin: germline.
Comment: The c.1495_1496delTCinsAT variant (also known as p.S499I), located in coding exon 11 of the NBN gene, results from an in-frame deletion of TC and insertion of AT at nucleotide positions 1495 to 1496. This results in the substitution of the serine residue for an isoleucine residue at codon 499, an amino acid with dissimilar properties. This amino acid position is not well conserved in available vertebrate species. Since supporting evidence is limited at this time, the clinical significance of this alteration remains unclear.

NM_002485.5(NBN):c.1495_1496delinsAT (p.Ser499Ile)

Gene: NBN (nibrin; minus strand). Cytogenetic location: 8q21.3.
Variant type: Indel.
Coding change: c.1495_1496delinsAT on transcript NM_002485.5 (MANE Select); coding-DNA positions 1495 to 1496, TC replaced by AT.
Protein change: p.Ser499Ile; replaces serine 499 with isoleucine.
Molecular consequence: missense variant.
Genome position (GRCh38, 1-based): chr8:89,953,593-89,953,594, GA replaced by AT on the plus strand (TC replaced by AT on the coding strand, the reverse complement: NBN is on the minus strand). VCF-style: chr8-89953593-GA-AT. GRCh37 (hg19) VCF-style: chr8-90965821-GA-AT.
Other names: c.1249_1250delinsAT, p.Ser417Ile (NM_001024688.3); short protein forms S417I, S499I.
Identifiers: ClinVar variation 1773865 (VCV001773865.2), dbSNP rs2488233337, ClinGen allele CA2580079073.
Genomic context (GRCh38, chr8:89,953,593, plus strand): 5'-TCTGAGTTTGTGTCCACAGGCTCATTCTCAGATAGATGCTGCTCCTTATTTTTCCACAAT[GA>AT]GGGTGTAGCAGGTTGTGTTTGTTCTAAAAGAGAACAAGACGTTTCTATTCTTGCTGATTT-3'
Protein context (NP_002476.2, residues 489-509): LLEQTQPATP[Ser499Ile]LWKNKEQHLS